The following is an entry in ClinVar:

NM_003470.3(USP7):c.569C>T (p.Thr190Ile)

Gene: USP7 (ubiquitin specific peptidase 7; minus strand). Cytogenetic location: 16p13.2.
Variant type: single nucleotide variant.
Coding change: c.569C>T on transcript NM_003470.3 (MANE Select); coding-DNA position 569, C replaced by T.
Protein change: p.Thr190Ile; replaces threonine 190 with isoleucine.
Molecular consequence: missense variant. On other transcripts: non-coding transcript variant (1).
Genome position (GRCh38, 1-based): chr16:8,920,401, G>A on the plus strand (C>T on the coding strand, the complement: USP7 is on the minus strand). VCF-style: chr16-8920401-G-A. GRCh37 (hg19) VCF-style: chr16-9014258-G-A.
Other names: c.521C>T, p.Thr174Ile (NM_001286457.2); c.272C>T, p.Thr91Ile (NM_001286458.2); c.395C>T, p.Thr132Ile (NM_001321858.2); short protein forms T190I, T91I, T132I, T174I.
Identifiers: ClinVar variation 2746885 (VCV002746885.4), dbSNP rs1419319278, ClinGen allele CA394704536.

ClinVar aggregate classification (germline): Likely benign. Review status: criteria provided, multiple submitters, no conflicts (2 of 4 stars). 2 submissions from 2 submitters: Likely benign (2). Last evaluated 2026-08-01.

gnomAD v4.1: 3 of 1,613,564 alleles (0.00019%); highest among the groups gnomAD compares: South Asian, 0.0011%; no homozygotes.

Submissions (2):

CeGaT Center for Human Genetics Tuebingen
Classification: Likely benign. Last evaluated: 2026-08-01. Review status: criteria provided, single submitter. Criteria: CeGaT Center For Human Genetics Tuebingen Variant Classification Criteria Version 2. Collection method: clinical testing. Allele origin: germline. Affected: yes. Observed: 1 variant allele.
Comment: USP7: PP2, BS1

Labcorp Genetics (formerly Invitae), Labcorp
Classification: Likely benign. Last evaluated: 2024-02-12. Review status: criteria provided, single submitter. Criteria: Invitae Variant Classification Sherloc (09022015). Collection method: clinical testing. Allele origin: germline.